The following is an entry in ClinVar:

ClinVar aggregate classification (germline): Pathogenic (1 of 4 stars; one submission).

Conditions:
Carnitine palmitoyltransferase II deficiency. Also called: Carnitine Palmitoyltransferase 2 Deficiency. Identifiers: Orphanet 157, MedGen C0342790, MONDO:0015515.

Submission:

Labcorp Genetics (formerly Invitae), Labcorp
Classification: Pathogenic for Carnitine palmitoyltransferase II deficiency. Last evaluated: 2025-09-14. Review status: criteria provided, single submitter. Criteria: Invitae Variant Classification Sherloc (09022015). Collection method: clinical testing. Allele origin: germline.
Comment: This variant, c.1808_1831del, results in the deletion of 8 amino acid(s) of the CPT2 protein (p.Ala603_Phe610del), but otherwise preserves the integrity of the reading frame. This variant is present in population databases (no rsID available, gnomAD 0.003%). This variant has not been reported in the literature in individuals affected with CPT2-related conditions. This variant disrupts a region of the CPT2 protein in which other variant(s) (p.Val605Leu) have been determined to be pathogenic (PMID: 18363739, 28649538). This suggests that this is a clinically significant region of the protein, and that variants that disrupt it are likely to be disease-causing. For these reasons, this variant has been classified as Pathogenic.

Literature cited by the submitters: PubMed 18363739; PubMed 28649538.

NM_000098.3(CPT2):c.1808_1831del (p.Ala603_Phe610del)

Gene: CPT2 (carnitine palmitoyltransferase 2; plus strand). Cytogenetic location: 1p32.3.
Variant type: Deletion.
Coding change: c.1808_1831del on transcript NM_000098.3 (MANE Select); coding-DNA positions 1808 to 1831, 24 bases deleted (CCCCTGTGGTCTCTGATGGCTTTG).
Protein change: p.Ala603_Phe610del.
Molecular consequence: inframe deletion.
Genome position (GRCh38, 1-based): chr1:53,213,426-53,213,449, CCCCTGTGGTCTCTGATGGCTTTG deleted; deleting any 24 consecutive bases within chr1:53,213,419-53,213,449 gives the same sequence; the c. name uses the placement nearest the transcript's 3' end. VCF-style (leftmost placement, unchanged base first): chr1-53213418-GGGCTTTGCCCCTGTGGTCTCTGAT-G. GRCh37 (hg19) VCF-style: chr1-53679090-GGGCTTTGCCCCTGTGGTCTCTGAT-G.
Other names: c.1739_1762del, p.Ala580_Phe587del (NM_001330589.2).
Identifiers: ClinVar variation 4727128 (VCV004727128.1).